The following is an entry in ClinVar:

ClinVar aggregate classification (germline): Uncertain significance (1 of 4 stars; one submission).

Conditions:
Primary ciliary dyskinesia. Also called: Ciliary dyskinesia. Identifiers: Orphanet 244, MedGen C0008780, MONDO:0016575, HP:0012265.

Submission:

Ambry Genetics
Classification: Uncertain significance for Primary ciliary dyskinesia. Last evaluated: 2022-08-16. Review status: criteria provided, single submitter. Criteria: Ambry Variant Classification Scheme 2023. Collection method: clinical testing. Allele origin: germline.
Comment: The p.T78I variant (also known as c.233C>T), located in coding exon 2 of the ARMC4 gene, results from a C to T substitution at nucleotide position 233. The threonine at codon 78 is replaced by isoleucine, an amino acid with similar properties. This amino acid position is conserved. In addition, this alteration is predicted to be tolerated by in silico analysis. Since supporting evidence is limited at this time, the clinical significance of this alteration remains unclear.

NM_018076.5(ODAD2):c.233C>T (p.Thr78Ile)

Gene: ODAD2 (outer dynein arm docking complex subunit 2; minus strand). Cytogenetic location: 10p12.1.
Variant type: single nucleotide variant.
Coding change: c.233C>T on transcript NM_018076.5 (MANE Select); coding-DNA position 233, C replaced by T.
Protein change: p.Thr78Ile; replaces threonine 78 with isoleucine.
Molecular consequence: missense variant.
Genome position (GRCh38, 1-based): chr10:27,987,535, G>A on the plus strand (C>T on the coding strand, the complement: ODAD2 is on the minus strand). VCF-style: chr10-27987535-G-A. GRCh37 (hg19) VCF-style: chr10-28276464-G-A.
Other names: c.233C>T, p.Thr78Ile (NM_001290020.2); short protein forms T78I.
Identifiers: ClinVar variation 1799955 (VCV001799955.2), dbSNP rs2494440893, ClinGen allele CA376397793.